The following is an entry in ClinVar:

NM_005529.7(HSPG2):c.1522G>A (p.Gly508Ser)

Gene: HSPG2 (heparan sulfate proteoglycan 2; minus strand). Cytogenetic location: 1p36.12.
Variant type: single nucleotide variant.
Coding change: c.1522G>A on transcript NM_005529.7 (MANE Select); coding-DNA position 1522, G replaced by A.
Protein change: p.Gly508Ser; replaces glycine 508 with serine.
Molecular consequence: missense variant.
Genome position (GRCh38, 1-based): chr1:21,884,660, C>T on the plus strand (G>A on the coding strand, the complement: HSPG2 is on the minus strand). VCF-style: chr1-21884660-C-T. GRCh37 (hg19) VCF-style: chr1-22211153-C-T.
Other names: c.1525G>A, p.Gly509Ser (NM_001291860.2); short protein forms G508S, G509S.
Identifiers: ClinVar variation 1023193 (VCV001023193.10), dbSNP rs768887883, ClinGen allele CA673396.

ClinVar aggregate classification (germline): Uncertain significance. Review status: criteria provided, multiple submitters, no conflicts (2 of 4 stars). 2 submissions from 2 submitters: Uncertain significance (2). Last evaluated 2026-03-16.

Allele frequency attached by ClinVar (database versions not stated): gnomAD 0.00002; TOPMed 0.00002.
gnomAD v4.1: 34 of 1,611,950 alleles (0.0021%); highest among the groups gnomAD compares: East Asian, 0.047%; no homozygotes.

Submissions (2):

Dasa
Classification: Uncertain significance. Last evaluated: 2026-03-16. Review status: criteria provided, single submitter. Criteria: DASA Assertion Criteria. Collection method: clinical testing. Allele origin: germline.
Comment: NM_005529.7(HSPG2):c.1522G>A (p.Gly508Ser) is a missense variant that results in the substitution of glycine with serine. This variant is rare in population databases. Computational prediction algorithms are consistent with a deleterious effect. The currently available literature and clinical evidence are not sufficient to establish a definitive association between this variant and the reported condition. Therefore, this variant is classified as a variant of uncertain significance.

Labcorp Genetics (formerly Invitae), Labcorp
Classification: Uncertain significance. Last evaluated: 2020-08-05. Review status: criteria provided, single submitter. Criteria: Invitae Variant Classification Sherloc (09022015). Collection method: clinical testing. Allele origin: germline.
Comment: Algorithms developed to predict the effect of sequence changes on RNA splicing suggest that this variant may create or strengthen a splice site, but this prediction has not been confirmed by published transcriptional studies. Algorithms developed to predict the effect of missense changes on protein structure and function are either unavailable or do not agree on the potential impact of this missense change (SIFT: "Tolerated"; PolyPhen-2: "Possibly Damaging"; Align-GVGD: "Class C0"). This variant has not been reported in the literature in individuals with HSPG2-related conditions. This variant is present in population databases (rs768887883, ExAC 0.06%). This sequence change replaces glycine with serine at codon 508 of the HSPG2 protein (p.Gly508Ser). The glycine residue is moderately conserved and there is a small physicochemical difference between glycine and serine. In summary, the available evidence is currently insufficient to determine the role of this variant in disease. Therefore, it has been classified as a Variant of Uncertain Significance.